The following is an entry in ClinVar:

ClinVar aggregate classification (germline): Uncertain significance (1 of 4 stars; one submission).

Conditions:
Glucose-6-phosphate transport defect (GSD1B). Also called: Glycogen Storage Disease Type Ib; GSD Ib. Identifiers: Orphanet 364, Orphanet 79259, MedGen C0268146, MONDO:0009288, OMIM 232220.

Allele frequency attached by ClinVar (database versions not stated): TOPMed below 0.00001; ExAC 0.00001; gnomAD 0.00001.

Submission:

Labcorp Genetics (formerly Invitae), Labcorp
Classification: Uncertain significance for Glucose-6-phosphate transport defect. Last evaluated: 2024-10-16. Review status: criteria provided, single submitter. Criteria: Invitae Variant Classification Sherloc (09022015). Collection method: clinical testing. Allele origin: germline.
Comment: This sequence change replaces alanine, which is neutral and non-polar, with glycine, which is neutral and non-polar, at codon 373 of the SLC37A4 protein (p.Ala373Gly). This variant is present in population databases (rs193302901, gnomAD 0.0009%). This variant has not been reported in the literature in individuals affected with SLC37A4-related conditions. ClinVar contains an entry for this variant (Variation ID: 1472481). Invitae Evidence Modeling of protein sequence and biophysical properties (such as structural, functional, and spatial information, amino acid conservation, physicochemical variation, residue mobility, and thermodynamic stability) indicates that this missense variant is not expected to disrupt SLC37A4 protein function with a negative predictive value of 80%. In summary, the available evidence is currently insufficient to determine the role of this variant in disease. Therefore, it has been classified as a Variant of Uncertain Significance.

NM_001164277.2(SLC37A4):c.1118C>G (p.Ala373Gly)

Gene: SLC37A4 (solute carrier family 37 member 4; minus strand). Cytogenetic location: 11q23.3.
Variant type: single nucleotide variant.
Coding change: c.1118C>G on transcript NM_001164277.2 (MANE Select); coding-DNA position 1118, C replaced by G.
Protein change: p.Ala373Gly; replaces alanine 373 with glycine.
Molecular consequence: missense variant.
Genome position (GRCh38, 1-based): chr11:119,025,196, G>C on the plus strand (C>G on the coding strand, the complement: SLC37A4 is on the minus strand). VCF-style: chr11-119025196-G-C. GRCh37 (hg19) VCF-style: chr11-118895906-G-C.
Other names: c.1184C>G, p.Ala395Gly (NM_001164278.2); c.899C>G, p.Ala300Gly (NM_001164279.2); c.1118C>G, p.Ala373Gly (NM_001164280.2, NM_001467.6); short protein forms A300G, A373G, A395G.
Identifiers: ClinVar variation 1472481 (VCV001472481.5), dbSNP rs193302901, ClinGen allele CA6311629.